The following is an entry in ClinVar:

ClinVar aggregate classification (germline): Uncertain significance. Review status: criteria provided, single submitter (1 of 4 stars). 2 submissions from 2 submitters: Uncertain significance (1). 1 of the submissions does not count toward it. Last evaluated 2023-05-15.

Conditions:
Global developmental delay (DD). Also called: Cognitive delay. Identifiers: MedGen C0557874, HP:0001263. Disease mechanism: loss of function.
Epilepsy, childhood absence, susceptibility to, 1. Also called: Epilepsy, childhood absence 1. Identifiers: Orphanet 64280, MedGen C1838604, MONDO:0020759, OMIM 600131.
Epilepsy, childhood absence, susceptibility to, 5. Identifiers: Orphanet 64280, MedGen C2677087, MONDO:0012843, OMIM 612269.

Allele frequency attached by ClinVar (database versions not stated): gnomAD 0.00001.
gnomAD v4.1: 1 of 1,613,934 alleles (0.000062%); highest among the groups gnomAD compares: Non-Finnish European, 0.000085%; no homozygotes.

Submissions (2):

Labcorp Genetics (formerly Invitae), Labcorp
Classification: Uncertain significance for Epilepsy, childhood absence, susceptibility to, 5; Epilepsy, childhood absence, susceptibility to, 1. Last evaluated: 2023-05-15. Review status: criteria provided, single submitter. Criteria: Invitae Variant Classification Sherloc (09022015). Collection method: clinical testing. Allele origin: germline.
Comment: In summary, the available evidence is currently insufficient to determine the role of this variant in disease. Therefore, it has been classified as a Variant of Uncertain Significance. Advanced modeling of protein sequence and biophysical properties (such as structural, functional, and spatial information, amino acid conservation, physicochemical variation, residue mobility, and thermodynamic stability) performed at Invitae indicates that this missense variant is expected to disrupt GABRB3 protein function. ClinVar contains an entry for this variant (Variation ID: 689542). This variant has not been reported in the literature in individuals affected with GABRB3-related conditions. This variant is not present in population databases (gnomAD no frequency). This sequence change replaces valine, which is neutral and non-polar, with methionine, which is neutral and non-polar, at codon 283 of the GABRB3 protein (p.Val283Met).

Institute of Human Genetics, University of Wuerzburg
Classification: Uncertain significance for Global developmental delay. Review status: no assertion criteria provided. Collection method: clinical testing. Allele origin: unknown. Not counted in ClinVar's aggregate classification.

NM_000814.6(GABRB3):c.847G>A (p.Val283Met)

Gene: GABRB3 (gamma-aminobutyric acid type A receptor subunit beta3; minus strand). Cytogenetic location: 15q12.
Variant type: single nucleotide variant.
Coding change: c.847G>A on transcript NM_000814.6 (MANE Select); coding-DNA position 847, G replaced by A.
Protein change: p.Val283Met; replaces valine 283 with methionine.
Molecular consequence: missense variant.
Genome position (GRCh38, 1-based): chr15:26,561,165, C>T on the plus strand (G>A on the coding strand, the complement: GABRB3 is on the minus strand). VCF-style: chr15-26561165-C-T. GRCh37 (hg19) VCF-style: chr15-26806312-C-T.
Other names: c.592G>A, p.Val198Met (NM_001191320.2, NM_001278631.2); c.634G>A, p.Val212Met (NM_001191321.3); c.847G>A, p.Val283Met (NM_021912.5); short protein forms V198M, V212M, V283M.
Identifiers: ClinVar variation 689542 (VCV000689542.4), dbSNP rs1595440460, ClinGen allele CA391462358.